The following is an entry in ClinVar:

NM_199420.4(POLQ):c.7575G>A (p.Met2525Ile)

Gene: POLQ (DNA polymerase theta; minus strand). Cytogenetic location: 3q13.33.
Variant type: single nucleotide variant.
Coding change: c.7575G>A on transcript NM_199420.4 (MANE Select); coding-DNA position 7575, G replaced by A.
Protein change: p.Met2525Ile; replaces methionine 2525 with isoleucine.
Molecular consequence: missense variant.
Genome position (GRCh38, 1-based): chr3:121,433,002, C>T on the plus strand (G>A on the coding strand, the complement: POLQ is on the minus strand). VCF-style: chr3-121433002-C-T. GRCh37 (hg19) VCF-style: chr3-121151849-C-T.
Other names: short protein forms M2525I.
Identifiers: ClinVar variation 1759594 (VCV001759594.2), dbSNP rs750113313, ClinGen allele CA2562131.

ClinVar aggregate classification (germline): Uncertain significance (1 of 4 stars; one submission).

Allele frequency attached by ClinVar (database versions not stated): gnomAD exomes below 0.00001; ExAC 0.00001.
gnomAD v4.1: 2 of 1,611,578 alleles (0.00012%); highest among the groups gnomAD compares: East Asian, 0.0022%; no homozygotes.

Submission:

Ambry Genetics
Classification: Uncertain significance. Last evaluated: 2022-06-15. Review status: criteria provided, single submitter. Criteria: Ambry Variant Classification Scheme 2023. Collection method: clinical testing. Allele origin: germline.
Comment: The p.M2525I variant (also known as c.7575G>A), located in coding exon 29 of the POLQ gene, results from a G to A substitution at nucleotide position 7575. The methionine at codon 2525 is replaced by isoleucine, an amino acid with highly similar properties. This amino acid position is conserved. In addition, this alteration is predicted to be tolerated by in silico analysis. Since supporting evidence is limited at this time, the clinical significance of this alteration remains unclear.